The following is an entry in ClinVar:

ClinVar aggregate classification (germline): Uncertain significance (1 of 4 stars; one submission).

Conditions:
Hypertrophic cardiomyopathy. Also called: HYPERTROPHIC MYOCARDIOPATHY. Identifiers: Orphanet 217569, MedGen C0007194, MeSH D002312, MONDO:0005045, HP:0001639.

Submission:

Labcorp Genetics (formerly Invitae), Labcorp
Classification: Uncertain significance for Hypertrophic cardiomyopathy. Last evaluated: 2020-08-04. Review status: criteria provided, single submitter. Criteria: Invitae Variant Classification Sherloc (09022015). Collection method: clinical testing. Allele origin: germline.
Comment: This sequence change replaces serine with threonine at codon 137 of the MYBPC3 protein (p.Ser137Thr). The serine residue is moderately conserved and there is a small physicochemical difference between serine and threonine. This variant has not been reported in the literature in individuals with MYBPC3-related conditions. This variant is not present in population databases (ExAC no frequency). In summary, the available evidence is currently insufficient to determine the role of this variant in disease. Therefore, it has been classified as a Variant of Uncertain Significance. Algorithms developed to predict the effect of missense changes on protein structure and function (SIFT, PolyPhen-2, Align-GVGD) all suggest that this variant is likely to be tolerated, but these predictions have not been confirmed by published functional studies and their clinical significance is uncertain.

NM_000256.3(MYBPC3):c.409T>A (p.Ser137Thr)

Gene: MYBPC3 (myosin binding protein C3; minus strand). Cytogenetic location: 11p11.2.
Variant type: single nucleotide variant.
Coding change: c.409T>A on transcript NM_000256.3 (MANE Select); coding-DNA position 409, T replaced by A.
Protein change: p.Ser137Thr; replaces serine 137 with threonine.
Molecular consequence: missense variant.
Genome position (GRCh38, 1-based): chr11:47,350,110, A>T on the plus strand (T>A on the coding strand, the complement: MYBPC3 is on the minus strand). VCF-style: chr11-47350110-A-T. GRCh37 (hg19) VCF-style: chr11-47371661-A-T.
Other names: short protein forms S137T.
Identifiers: ClinVar variation 1037739 (VCV001037739.8), dbSNP rs2095899043, ClinGen allele CA380339127.
Genomic context (GRCh38, chr11:47,350,110, plus strand): 5'-AGAGGCCAATGGGGTCATCGGGGGCTCCAGGGGTAGGACCATTGAGAGCTGCTGAGCTTG[A>T]CCCTGTGAGCAAAGGCTTTTTCTGTTTGTTTGAGATGGAGTCTTGCTCTGTCACCCAGGC-3'
Protein context (NP_000247.2, residues 127-147): LGESAPSPKG[Ser137Thr]SSAALNGPTP